The following is an entry in ClinVar:

NM_004738.5(VAPB):c.532G>A (p.Gly178Ser)

Gene: VAPB (VAMP associated protein B and C; plus strand). Cytogenetic location: 20q13.32.
Variant type: single nucleotide variant.
Coding change: c.532G>A on transcript NM_004738.5 (MANE Select); coding-DNA position 532, G replaced by A.
Protein change: p.Gly178Ser; replaces glycine 178 with serine.
Molecular consequence: missense variant. On other transcripts: non-coding transcript variant (1), intron variant (1).
Genome position (GRCh38, 1-based): chr20:58,441,042, G>A. VCF-style: chr20-58441042-G-A. GRCh37 (hg19) VCF-style: chr20-57016098-G-A.
Other names: c.212-3035G>A (NM_001195677.2); short protein forms G178S.
Identifiers: ClinVar variation 1380702 (VCV001380702.8), dbSNP rs1039112226, ClinGen allele CA316275993.

ClinVar aggregate classification (germline): Uncertain significance (1 of 4 stars; one submission).

Conditions:
Amyotrophic lateral sclerosis type 8 (ALS8). Identifiers: Orphanet 803, MedGen C1837728, MONDO:0012077, OMIM 608627.
Adult-onset proximal spinal muscular atrophy, autosomal dominant. Also called: FINKEL LATE-ADULT TYPE SMA; Spinal muscular atrophy, late-onset, finkel type. Identifiers: Orphanet 209335, MedGen C1854058, MONDO:0008453, OMIM 182980.

Allele frequency attached by ClinVar (database versions not stated): gnomAD exomes below 0.00001; TOPMed below 0.00001.
gnomAD v4.1: 3 of 1,614,134 alleles (0.00019%); highest among the groups gnomAD compares: Non-Finnish European, 0.00025%; no homozygotes.

Submission:

Labcorp Genetics (formerly Invitae), Labcorp
Classification: Uncertain significance for Adult-onset proximal spinal muscular atrophy, autosomal dominant; Amyotrophic lateral sclerosis type 8. Last evaluated: 2022-06-28. Review status: criteria provided, single submitter. Criteria: Invitae Variant Classification Sherloc (09022015). Collection method: clinical testing. Allele origin: germline.
Comment: In summary, the available evidence is currently insufficient to determine the role of this variant in disease. Therefore, it has been classified as a Variant of Uncertain Significance. Algorithms developed to predict the effect of missense changes on protein structure and function output the following: SIFT: "Not Available"; PolyPhen-2: "Benign"; Align-GVGD: "Not Available". The serine amino acid residue is found in multiple mammalian species, which suggests that this missense change does not adversely affect protein function. This variant has not been reported in the literature in individuals affected with VAPB-related conditions. This variant is not present in population databases (gnomAD no frequency). This sequence change replaces glycine, which is neutral and non-polar, with serine, which is neutral and polar, at codon 178 of the VAPB protein (p.Gly178Ser).